The following is an entry in ClinVar:

NM_001079866.2(BCS1L):c.821del (p.Pro274fs)

Gene: BCS1L (BCS1 ubiquinol-cytochrome c reductase complex chaperone; plus strand). Cytogenetic location: 2q35.
Variant type: Deletion.
Coding change: c.821del on transcript NM_001079866.2 (MANE Select); coding-DNA position 821, one base deleted (C; older notation c.821delC).
Protein change: p.Pro274fs; shifts the reading frame from proline 274.
Molecular consequence: frameshift variant. On other transcripts: non-coding transcript variant (1).
Genome position (GRCh38, 1-based): chr2:218,662,611, C deleted; the last of 4 consecutive C bases (chr2:218,662,608-218,662,611); deleting any one gives the same sequence. VCF-style (leftmost placement, unchanged base first): chr2-218662607-GC-G. GRCh37 (hg19) VCF-style: chr2-219527330-GC-G.
Other names: c.821delC (NM_004328.4); c.821del, p.Pro274fs (NM_001257342.2, NM_001257343.2, NM_001257344.2 and 10 more transcripts); c.461del, p.Pro154fs (NM_001318836.2, NM_001371451.1); c.320del, p.Pro107fs (NM_001371452.1, NM_001371453.1, NM_001371454.1 and 3 more transcripts); short protein forms P154fs, P274fs, P107fs.
Identifiers: ClinVar variation 555982 (VCV000555982.20), dbSNP rs760559534, ClinGen allele CA2109768.

ClinVar aggregate classification (germline): Pathogenic. Review status: criteria provided, multiple submitters, no conflicts (2 of 4 stars). 5 submissions from 5 submitters: Pathogenic (3). 2 of the submissions do not count toward it. Last evaluated 2024-03-20.

Conditions:
Mitochondrial complex III deficiency nuclear type 1. Identifiers: Orphanet 254902, MedGen C3541471, MONDO:0007415, OMIM 124000.
Pili torti-deafness syndrome (BJS). Also called: PILI TORTI AND NERVE DEAFNESS; Bjornstad syndrome. Identifiers: Orphanet 123, MedGen C0266006, MONDO:0009872, OMIM 262000.
GRACILE syndrome (FLNMS). Also called: FELLMAN SYNDROME; FINNISH LETHAL NEONATAL METABOLIC SYNDROME. Identifiers: Orphanet 53693, MedGen C1864002, MONDO:0011308, OMIM 603358.

Submissions (5):

Baylor Genetics
Classification: Pathogenic for Pili torti-deafness syndrome. Last evaluated: 2024-03-20. Review status: criteria provided, single submitter. Criteria: ACMG Guidelines, 2015. Collection method: clinical testing. Allele origin: unknown.

Labcorp Genetics (formerly Invitae), Labcorp
Classification: Pathogenic. Last evaluated: 2023-10-30. Review status: criteria provided, single submitter. Criteria: Invitae Variant Classification Sherloc (09022015). Collection method: clinical testing. Allele origin: germline.
Comment: This sequence change creates a premature translational stop signal (p.Pro274Argfs*26) in the BCS1L gene. It is expected to result in an absent or disrupted protein product. Loss-of-function variants in BCS1L are known to be pathogenic (PMID: 12215968, 17314340, 19162478, 19508421, 22277166, 25895478). This variant is present in population databases (rs768595326, gnomAD 0.02%). This premature translational stop signal has been observed in individual(s) with Bjornstad syndrome (PMID: 28105683). ClinVar contains an entry for this variant (Variation ID: 555982). For these reasons, this variant has been classified as Pathogenic.

Juno Genomics, Hangzhou Juno Genomics, Inc
Classification: Pathogenic for Pili torti-deafness syndrome; GRACILE syndrome; Mitochondrial complex III deficiency nuclear type 1. Review status: criteria provided, single submitter. Criteria: ACMG Guidelines, 2015. Collection method: clinical testing. Allele origin: germline.
Comment: Absent from controls (or at extremely low frequency if recessive) in Genome Aggregation Database.;Null variant in a gene where loss of function (LOF) is a known mechanism of disease.;For recessive disorders, detected in trans with a pathogenic variant.;Patient's phenotype or family history is highly specific for a disease with a single genetic etiology.

Natera, Inc.
Classification: Pathogenic for GRACILE syndrome. Last evaluated: 2020-05-01. Review status: no assertion criteria provided. Collection method: clinical testing. Allele origin: germline. Not counted in ClinVar's aggregate classification.

Counsyl
Classification: Likely pathogenic for GRACILE syndrome. Last evaluated: 2018-01-05. Review status: no assertion criteria provided. Collection method: clinical testing. Allele origin: unknown. Not counted in ClinVar's aggregate classification.

Literature cited by the submitters: PubMed 12215968 (cited by Labcorp Genetics (formerly Invitae), Labcorp); PubMed 17314340 (cited by Labcorp Genetics (formerly Invitae), Labcorp); PubMed 19162478 (cited by Labcorp Genetics (formerly Invitae), Labcorp); PubMed 19508421 (cited by Labcorp Genetics (formerly Invitae), Labcorp); PubMed 22277166 (cited by Labcorp Genetics (formerly Invitae), Labcorp); PubMed 25895478 (cited by Labcorp Genetics (formerly Invitae), Labcorp); PubMed 28105683 (cited by Labcorp Genetics (formerly Invitae), Labcorp and Counsyl).